The following is an entry in ClinVar:

NM_020320.5(RARS2):c.379_385del (p.Ile127fs)

Gene: RARS2 (arginyl-tRNA synthetase 2, mitochondrial; minus strand). Cytogenetic location: 6q15.
Variant type: Deletion.
Coding change: c.379_385del on transcript NM_020320.5 (MANE Select); coding-DNA positions 379 to 385, 7 bases deleted (ATTGTGG; older notation c.379_385delATTGTGG).
Protein change: p.Ile127fs; shifts the reading frame from isoleucine 127.
Molecular consequence: frameshift variant. On other transcripts: non-coding transcript variant (23), 5 prime UTR variant (7).
Genome position (GRCh38, 1-based): chr6:87,555,418-87,555,424, CCACAAT deleted on the plus strand (ATTGTGG on the coding strand, the reverse complement: RARS2 is on the minus strand); deleting any 7 consecutive bases within chr6:87,555,418-87,555,425 gives the same sequence; the c. name uses the placement nearest the transcript's 3' end. VCF-style (leftmost placement, unchanged base first): chr6-87555417-ACCACAAT-A. GRCh37 (hg19) VCF-style: chr6-88265135-ACCACAAT-A.
Other names: c.-91_-85del (NM_001318785.2, NM_001350509.2); c.379_385del, p.Ile127fs (NM_001350505.2); c.-147_-141del (NM_001350506.2, NM_001350507.2, NM_001350510.2 and 1 more transcripts); c.-309_-303del (NM_001350508.2); c.379_385del (NM_020320.4); short protein forms I127fs.
Identifiers: ClinVar variation 2678255 (VCV002678255.3), dbSNP rs2484604814, ClinGen allele CA2573335090.

ClinVar aggregate classification (germline): Likely pathogenic. Review status: criteria provided, multiple submitters, no conflicts (2 of 4 stars). 2 submissions from 2 submitters: Likely pathogenic (2). Last evaluated 2024-08-22.

Conditions:
Pontocerebellar hypoplasia type 6 (PCH6). Identifiers: Orphanet 166073, MedGen C1969084, MONDO:0012683, OMIM 611523.

Submissions (2):

Natera, Inc.
Classification: Likely pathogenic for Pontocerebellar hypoplasia, type 6. Last evaluated: 2024-08-22. Review status: criteria provided, single submitter. Criteria: Natera Variant Classification Schema (03/2026). Collection method: clinical testing. Allele origin: germline.
Comment: The c.379_385del variant in RARS2 is a frameshift variant predicted to shift the reading frame beginning at codon 127 and leads to a stop codon 22 codons downstream. This variant is expected to result in nonsense mediated decay, truncation, or a dysfunctional protein product. This variant is rare in the general population with a frequency below the threshold expected for the associated phenotype(s). Given the available evidence, this variant is classified as Likely Pathogenic.

Baylor Genetics
Classification: Likely pathogenic for Pontocerebellar hypoplasia type 6. Last evaluated: 2024-03-03. Review status: criteria provided, single submitter. Criteria: ACMG Guidelines, 2015. Collection method: clinical testing. Allele origin: unknown.